The following is an entry in ClinVar:

NM_032119.4(ADGRV1):c.12542del (p.Pro4181fs)

Gene: ADGRV1 (adhesion G protein-coupled receptor V1; plus strand). Cytogenetic location: 5q14.3.
Variant type: Deletion.
Coding change: c.12542del on transcript NM_032119.4 (MANE Select); coding-DNA position 12542, one base deleted (C; older notation c.12542delC).
Protein change: p.Pro4181fs; shifts the reading frame from proline 4181.
Molecular consequence: frameshift variant. On other transcripts: non-coding transcript variant (1).
Genome position (GRCh38, 1-based): chr5:90,777,919, C deleted; the last of 3 consecutive C bases (chr5:90,777,917-90,777,919); deleting any one gives the same sequence. VCF-style (leftmost placement, unchanged base first): chr5-90777916-GC-G. GRCh37 (hg19) VCF-style: chr5-90073733-GC-G.
Other names: short protein forms P4181fs.
Identifiers: ClinVar variation 2852958 (VCV002852958.4), dbSNP rs2531857217, ClinGen allele CA2739274896.
Genomic context (GRCh38, chr5:90,777,916, plus strand): 5'-AGTACCTTCAACTGAAATGTATTGGATATACATTTGTTTATTGTTGTAGCCTTGTTCGAG[GC>G]CCAGGGATTTTGGGGGAGGTCACAGTGTTCTGGAGGATATTCCCTCCTTCCGTGGGGGAA-3'

ClinVar aggregate classification (germline): Pathogenic/Likely pathogenic. Review status: criteria provided, multiple submitters, no conflicts (2 of 4 stars). 2 submissions from 2 submitters: Pathogenic (1); Likely pathogenic (1). Last evaluated 2024-05-30.

Conditions:
Febrile seizures, familial, 4 (FEB4). Also called: CONVULSIONS, FAMILIAL FEBRILE, 4. Identifiers: MedGen C1858493, MONDO:0011443, OMIM 604352.
Usher syndrome type 2C. Also called: Usher syndrome, type 2B; USHER SYNDROME, TYPE IIC. Identifiers: Orphanet 231178, Orphanet 886, MedGen C2931213, MONDO:0011558, OMIM 605472.

Submissions (2):

Fulgent Genetics
Classification: Likely pathogenic for Febrile seizures, familial, 4; Usher syndrome type 2C. Last evaluated: 2024-05-30. Review status: criteria provided, single submitter. Criteria: ACMG Guidelines, 2015. Collection method: clinical testing. Allele origin: germline.

Labcorp Genetics (formerly Invitae), Labcorp
Classification: Pathogenic. Last evaluated: 2023-06-16. Review status: criteria provided, single submitter. Criteria: Invitae Variant Classification Sherloc (09022015). Collection method: clinical testing. Allele origin: germline.
Comment: This variant is not present in population databases (gnomAD no frequency). This sequence change creates a premature translational stop signal (p.Pro4181Glnfs*28) in the ADGRV1 gene. It is expected to result in an absent or disrupted protein product. Loss-of-function variants in ADGRV1 are known to be pathogenic (PMID: 19357117, 22135276, 22147658, 26226137, 30718709, 31047384, 32467589). This variant has not been reported in the literature in individuals affected with ADGRV1-related conditions. For these reasons, this variant has been classified as Pathogenic.

Literature cited by the submitters: PubMed 19357117 (cited by Labcorp Genetics (formerly Invitae), Labcorp); PubMed 22135276 (cited by Labcorp Genetics (formerly Invitae), Labcorp); PubMed 22147658 (cited by Labcorp Genetics (formerly Invitae), Labcorp); PubMed 26226137 (cited by Labcorp Genetics (formerly Invitae), Labcorp); PubMed 30718709 (cited by Labcorp Genetics (formerly Invitae), Labcorp); PubMed 31047384 (cited by Labcorp Genetics (formerly Invitae), Labcorp); PubMed 32467589 (cited by Labcorp Genetics (formerly Invitae), Labcorp).